The following is an entry in ClinVar:

NM_002880.4(RAF1):c.1894G>A (p.Glu632Lys)

Gene: RAF1 (Raf-1 proto-oncogene, serine/threonine kinase; minus strand). Cytogenetic location: 3p25.2.
Variant type: single nucleotide variant.
Coding change: c.1894G>A on transcript NM_002880.4 (MANE Select); coding-DNA position 1894, G replaced by A.
Protein change: p.Glu632Lys; replaces glutamic acid 632 with lysine.
Molecular consequence: missense variant. On other transcripts: non-coding transcript variant (3).
Genome position (GRCh38, 1-based): chr3:12,584,567, C>T on the plus strand (G>A on the coding strand, the complement: RAF1 is on the minus strand). VCF-style: chr3-12584567-C-T. GRCh37 (hg19) VCF-style: chr3-12626066-C-T.
Other names: c.1954G>A, p.Glu652Lys (NM_001354689.3); c.1894G>A, p.Glu632Lys (NM_001354690.3); c.1651G>A, p.Glu551Lys (NM_001354691.3, NM_001354692.3); c.1795G>A, p.Glu599Lys (NM_001354693.3); c.1711G>A, p.Glu571Lys (NM_001354694.3); c.1552G>A, p.Glu518Lys (NM_001354695.3); short protein forms E599K, E518K, E551K, E632K, E652K, E571K.
Identifiers: ClinVar variation 1976440 (VCV001976440.5), dbSNP rs2125316223, ClinGen allele CA351495705.
Genomic context (GRCh38, chr3:12,584,567, plus strand): 5'-AAGTCAACTAGAAGACAGGCAGCCTCGGGGACGTGGTCAGCGTGCAAGCATTGATATCCT[C>T]AGTGTGGGCTGCCCGATGCAAGGATGGCTCGGAAGCGCTCCGGTTGATCTTCGGTAGAGA-3'
Protein context (NP_002871.1, residues 622-642): EPSLHRAAHT[Glu632Lys]DINACTLTTS

ClinVar aggregate classification (germline): Uncertain significance (1 of 4 stars; one submission).

Conditions:
RASopathy. Also called: Noonan spectrum disorder; rasopathies. Identifiers: Orphanet 536391, MedGen C5555857, MONDO:0021060.

Allele frequency attached by ClinVar (database versions not stated): gnomAD exomes below 0.00001.
gnomAD v4.1: 2 of 1,614,174 alleles (0.00012%); highest among the groups gnomAD compares: Non-Finnish European, 0.00017%; no homozygotes.

Submission:

Labcorp Genetics (formerly Invitae), Labcorp
Classification: Uncertain significance for RASopathy. Last evaluated: 2024-09-14. Review status: criteria provided, single submitter. Criteria: Invitae Variant Classification Sherloc (09022015). Collection method: clinical testing. Allele origin: germline.
Comment: This sequence change replaces glutamic acid, which is acidic and polar, with lysine, which is basic and polar, at codon 632 of the RAF1 protein (p.Glu632Lys). This variant is not present in population databases (gnomAD no frequency). This variant has not been reported in the literature in individuals affected with RAF1-related conditions. ClinVar contains an entry for this variant (Variation ID: 1976440). Invitae Evidence Modeling of protein sequence and biophysical properties (such as structural, functional, and spatial information, amino acid conservation, physicochemical variation, residue mobility, and thermodynamic stability) indicates that this missense variant is expected to disrupt RAF1 protein function with a positive predictive value of 80%. In summary, the available evidence is currently insufficient to determine the role of this variant in disease. Therefore, it has been classified as a Variant of Uncertain Significance.